The following is an entry in ClinVar:

NM_000718.4(CACNA1B):c.6311G>A (p.Arg2104His)

Gene: CACNA1B (calcium voltage-gated channel subunit alpha1 B; plus strand). Cytogenetic location: 9q34.3.
Variant type: single nucleotide variant.
Coding change: c.6311G>A on transcript NM_000718.4 (MANE Select); coding-DNA position 6311, G replaced by A.
Protein change: p.Arg2104His; replaces arginine 2104 with histidine.
Molecular consequence: missense variant.
Genome position (GRCh38, 1-based): chr9:138,120,703, G>A. VCF-style: chr9-138120703-G-A. GRCh37 (hg19) VCF-style: chr9-141015155-G-A.
Other names: c.6311G>A (NM_000718.3); c.6311G>A, p.Arg2104His (NM_001243812.2); short protein forms R2104H.
Identifiers: ClinVar variation 2179605 (VCV002179605.2), dbSNP rs752741268, ClinGen allele CA5377687.

ClinVar aggregate classification (germline): Uncertain significance. Review status: criteria provided, multiple submitters, no conflicts (2 of 4 stars). 2 submissions from 2 submitters: Uncertain significance (2). Last evaluated 2025-06-24.

Allele frequency attached by ClinVar (database versions not stated): gnomAD exomes 0.00002.
gnomAD v4.1: 38 of 1,520,548 alleles (0.0025%); highest among the groups gnomAD compares: Admixed American, 0.022%; no homozygotes.

Submissions (2):

Ambry Genetics
Classification: Uncertain significance. Last evaluated: 2025-06-24. Review status: criteria provided, single submitter. Criteria: Ambry Variant Classification Scheme 2023. Collection method: clinical testing. Allele origin: germline.

Labcorp Genetics (formerly Invitae), Labcorp
Classification: Uncertain significance. Last evaluated: 2022-10-21. Review status: criteria provided, single submitter. Criteria: Invitae Variant Classification Sherloc (09022015). Collection method: clinical testing. Allele origin: germline.
Comment: This sequence change replaces arginine, which is basic and polar, with histidine, which is basic and polar, at codon 2104 of the CACNA1B protein (p.Arg2104His). The frequency data for this variant in the population databases is considered unreliable, as metrics indicate poor data quality at this position in the gnomAD database. This variant has not been reported in the literature in individuals affected with CACNA1B-related conditions. Advanced modeling of protein sequence and biophysical properties (such as structural, functional, and spatial information, amino acid conservation, physicochemical variation, residue mobility, and thermodynamic stability) performed at Invitae indicates that this missense variant is not expected to disrupt CACNA1B protein function. In summary, the available evidence is currently insufficient to determine the role of this variant in disease. Therefore, it has been classified as a Variant of Uncertain Significance.